The following is an entry in ClinVar:

ClinVar aggregate classification (germline): Conflicting classifications of pathogenicity. Review status: criteria provided, conflicting classifications (1 of 4 stars). 4 submissions from 4 submitters: Uncertain significance (1); Likely benign (2). 1 of the submissions does not count toward it. Last evaluated 2026-01-21.

Conditions:
CC2D2A-related disorder. Also called: CC2D2A-related condition; CC2D2A-related disorders. Identifiers: MedGen CN239313.
Meckel-Gruber syndrome. Also called: Dysencephalia splachnocystica; DYSENCEPHALIA SPLANCHNOCYSTICA; GRUBER SYNDROME. Identifiers: Orphanet 564, MedGen C0265215, MONDO:0018921.
Joubert syndrome. Also called: JOUBERT-BOLTSHAUSER SYNDROME; Familial aplasia of the vermis. Identifiers: Orphanet 475, MedGen C5979921, MONDO:0018772.

Allele frequency attached by ClinVar (database versions not stated): gnomAD exomes 0.00003 and 0.00006; gnomAD 0.00005 and 0.00006; ExAC 0.00007; TOPMed 0.00008.
gnomAD v4.1: 61 of 1,613,520 alleles (0.0038%); highest among the groups gnomAD compares: Middle Eastern, 0.033%; no homozygotes.

Submissions (4):

Labcorp Genetics (formerly Invitae), Labcorp
Classification: Likely benign for Joubert syndrome; Meckel-Gruber syndrome. Last evaluated: 2026-01-21. Review status: criteria provided, single submitter. Criteria: Invitae Variant Classification Sherloc (09022015). Collection method: clinical testing. Allele origin: germline.

CeGaT Center for Human Genetics Tuebingen
Classification: Likely benign. Last evaluated: 2022-02-01. Review status: criteria provided, single submitter. Criteria: CeGaT Center For Human Genetics Tuebingen Variant Classification Criteria Version 2. Collection method: clinical testing. Allele origin: germline. Affected: yes. Observed: 1 variant allele.

Eurofins Ntd Llc (ga)
Classification: Uncertain significance. Last evaluated: 2016-09-27. Review status: criteria provided, single submitter. Criteria: EGL Classification Definitions 2015. Collection method: clinical testing. Allele origin: germline. Observed: 1 variant allele, 1 heterozygote.

PreventionGenetics, part of Exact Sciences
Classification: Likely benign for CC2D2A-related condition. Last evaluated: 2022-05-06. Review status: no assertion criteria provided. Collection method: clinical testing. Allele origin: germline. Not counted in ClinVar's aggregate classification.
Comment: This variant is classified as likely benign based on ACMG/AMP sequence variant interpretation guidelines (Richards et al. 2015 PMID: 25741868, with internal and published modifications).

NM_001378615.1(CC2D2A):c.1689C>T (p.His563=)

Genes: CC2D2A (coiled-coil and C2 domain containing 2A; plus strand), FBXL5 (F-box and leucine rich repeat protein 5; minus strand). Cytogenetic location: 4p15.32.
Variant type: single nucleotide variant.
Coding change: c.1689C>T on transcript NM_001378615.1 (MANE Select); coding-DNA position 1689, C replaced by T.
Protein change: p.His563=; no amino-acid change (histidine 563 retained).
Molecular consequence: synonymous variant.
Genome position (GRCh38, 1-based): chr4:15,537,001, C>T. VCF-style: chr4-15537001-C-T. GRCh37 (hg19) VCF-style: chr4-15538624-C-T.
Other names: c.1689C>T, p.His563= (NM_001080522.2); c.1542C>T, p.His514= (NM_001378617.1).
Identifiers: ClinVar variation 497634 (VCV000497634.49), dbSNP rs755367503, ClinGen allele CA2863730.